The following is an entry in ClinVar:

ClinVar aggregate classification (germline): Uncertain significance (1 of 4 stars; one submission).

Submission:

GeneDx
Classification: Uncertain significance. Last evaluated: 2025-02-20. Review status: criteria provided, single submitter. Criteria: GeneDx Variant Classification Process June 2021. Collection method: clinical testing. Allele origin: germline. Affected: yes.
Comment: Not observed at significant frequency in large population cohorts (gnomAD); In silico analysis supports that this missense variant has a deleterious effect on protein structure/function; Has not been previously published as pathogenic or benign to our knowledge

NM_153252.5(BRWD3):c.2473G>A (p.Glu825Lys)

Gene: BRWD3 (bromodomain and WD repeat domain containing 3; minus strand). Cytogenetic location: Xq21.1.
Variant type: single nucleotide variant.
Coding change: c.2473G>A on transcript NM_153252.5 (MANE Select); coding-DNA position 2473, G replaced by A.
Protein change: p.Glu825Lys; replaces glutamic acid 825 with lysine.
Molecular consequence: missense variant. On other transcripts: intron variant (1).
Genome position (GRCh38, 1-based): chrX:80,709,430, C>T on the plus strand (G>A on the coding strand, the complement: BRWD3 is on the minus strand). VCF-style: chrX-80709430-C-T. GRCh37 (hg19) VCF-style: chrX-79964929-C-T.
Other names: c.2326-1927G>A (NM_001441339.1); short protein forms E825K.
Identifiers: ClinVar variation 4076887 (VCV004076887.1).